The following is an entry in ClinVar:

ClinVar aggregate classification (germline): Benign (1 of 4 stars; one submission).

Allele frequency attached by ClinVar (database versions not stated): 1000 Genomes Project 30x 0.00031; gnomAD 0.00031 and 0.00033; TOPMed 0.00032; 1000 Genomes Project 0.00080.

Submission:

GeneDx
Classification: Benign. Last evaluated: 2015-05-05. Review status: criteria provided, single submitter. Criteria: GeneDx Variant Classification (06012015). Collection method: clinical testing. Allele origin: germline. Affected: yes.
Comment: This variant is considered likely benign or benign based on one or more of the following criteria: it is a conservative change, it occurs at a poorly conserved position in the protein, it is predicted to be benign by multiple in silico algorithms, and/or has population frequency not consistent with disease.

NM_003476.5(CSRP3):c.-46C>T

Genes: CSRP3 (cysteine and glycine rich protein 3; minus strand), CSRP3-AS1 (CSRP3 and E2F8 antisense RNA 1; plus strand). Cytogenetic location: 11p15.1.
Variant type: single nucleotide variant.
Coding change: c.-46C>T on transcript NM_003476.5 (MANE Select); 46 bases upstream of the start codon, C replaced by T.
Molecular consequence: 5 prime UTR variant.
Genome position (GRCh38, 1-based): chr11:19,201,971, G>A on the plus strand (C>T on the coding strand, the complement: CSRP3 is on the minus strand). VCF-style: chr11-19201971-G-A. GRCh37 (hg19) VCF-style: chr11-19223518-G-A.
Other names: c.-46C>T (LRG_440t1, NM_001369404.1).
Identifiers: ClinVar variation 377756 (VCV000377756.1), dbSNP rs373296490, ClinGen allele CA16606905.
Genomic context (GRCh38, chr11:19,201,971, plus strand): 5'-ACCAACCCACCTCCAGCTCAAATGTCTGCCTTGCTCCACTCACCTGCCTGTGTGGACTCC[G>A]TTCAGCTCAACTGAGTCTGAGGGGCTCTTGTCCTCTTTAAATATATGAAGGCTGTCACCA-3'